The following is an entry in ClinVar:

NM_000092.5(COL4A4):c.1714G>A (p.Gly572Ser)

Gene: COL4A4 (collagen type IV alpha 4 chain; minus strand). Cytogenetic location: 2q36.3.
Variant type: single nucleotide variant.
Coding change: c.1714G>A on transcript NM_000092.5 (MANE Select); coding-DNA position 1714, G replaced by A.
Protein change: p.Gly572Ser; replaces glycine 572 with serine.
Molecular consequence: missense variant.
Genome position (GRCh38, 1-based): chr2:227,080,532, C>T on the plus strand (G>A on the coding strand, the complement: COL4A4 is on the minus strand). VCF-style: chr2-227080532-C-T. GRCh37 (hg19) VCF-style: chr2-227945248-C-T.
Other names: short protein forms G572S.
Identifiers: ClinVar variation 4817293 (VCV004817293.1).

ClinVar aggregate classification (germline): Likely pathogenic (1 of 4 stars; one submission).

Conditions:
Alport syndrome. Also called: Hemorrhagic familial nephritis; Hemorrhagic hereditary nephritis; Congenital hereditary hematuria. Identifiers: Orphanet 63, MedGen C1567741, MONDO:0018965.

Submission:

Natera, Inc.
Classification: Likely pathogenic for Alport syndrome. Last evaluated: 2025-09-04. Review status: criteria provided, single submitter. Criteria: Natera Variant Classification Schema (03/2026). Collection method: clinical testing. Allele origin: germline.
Comment: The c.1714G>A variant in COL4A4 is a missense variant predicted to cause substitution of glycine to serine at amino acid 572. This variant is rare in the general population with a frequency below the threshold expected for the associated phenotype(s). This variant is located in a functionally critical region of the protein. A different variant at the same position has been determined to be Pathogenic or Likely Pathogenic. Computational prediction algorithms indicate this variant is likely to affect gene or protein function. Given the available evidence, this variant is classified as Likely Pathogenic.